The following is an entry in ClinVar:

ClinVar aggregate classification (germline): Uncertain significance (0 of 4 stars; one submission).

Submission:

Richard Lifton Laboratory, Yale University School of Medicine
Classification: Uncertain significance. Review status: no assertion criteria provided. Collection method: not provided. Allele origin: somatic.
Comment: KDM5C
ClinVar note: Converted during submission from unknown to Uncertain significance.

NM_004187.5(KDM5C):c.4231G>A (p.Val1411Met)

Gene: KDM5C (lysine demethylase 5C; minus strand). Cytogenetic location: Xp11.22.
Variant type: single nucleotide variant.
Coding change: c.4231G>A on transcript NM_004187.5 (MANE Select); coding-DNA position 4231, G replaced by A.
Protein change: p.Val1411Met; replaces valine 1411 with methionine.
Molecular consequence: missense variant. On other transcripts: non-coding transcript variant (3).
Genome position (GRCh38, 1-based): chrX:53,193,523, C>T on the plus strand (G>A on the coding strand, the complement: KDM5C is on the minus strand). VCF-style: chrX-53193523-C-T. GRCh37 (hg19) VCF-style: chrX-53222705-C-T.
Other names: c.4021G>A, p.Val1341Met (NM_001146702.2); c.4228G>A, p.Val1410Met (NM_001282622.3, NM_001353979.2); c.4222G>A, p.Val1408Met (NM_001353978.3, NM_001353981.2, NM_001353984.2); c.4219G>A, p.Val1407Met (NM_001353982.2); short protein forms V1411M, V1408M, V1407M, V1341M, V1410M.
Identifiers: ClinVar variation 91959 (VCV000091959.2), dbSNP rs386352320, ClinGen allele CA232244.